The following is an entry in ClinVar:

NM_001440.4(EXTL3):c.1040G>A (p.Gly347Asp)

Gene: EXTL3 (exostosin like glycosyltransferase 3; plus strand). Cytogenetic location: 8p21.1.
Variant type: single nucleotide variant.
Coding change: c.1040G>A on transcript NM_001440.4 (MANE Select); coding-DNA position 1040, G replaced by A.
Protein change: p.Gly347Asp; replaces glycine 347 with aspartic acid.
Molecular consequence: missense variant.
Genome position (GRCh38, 1-based): chr8:28,717,099, G>A. VCF-style: chr8-28717099-G-A. GRCh37 (hg19) VCF-style: chr8-28574616-G-A.
Other names: short protein forms G347D.
Identifiers: ClinVar variation 1039204 (VCV001039204.5), dbSNP rs1801170252, ClinGen allele CA370858294.

ClinVar aggregate classification (germline): Uncertain significance (1 of 4 stars; one submission).

Submission:

Labcorp Genetics (formerly Invitae), Labcorp
Classification: Uncertain significance. Last evaluated: 2025-03-03. Review status: criteria provided, single submitter. Criteria: Invitae Variant Classification Sherloc (09022015). Collection method: clinical testing. Allele origin: germline.
Comment: This sequence change replaces glycine, which is neutral and non-polar, with aspartic acid, which is acidic and polar, at codon 347 of the EXTL3 protein (p.Gly347Asp). This variant is not present in population databases (gnomAD no frequency). This variant has not been reported in the literature in individuals affected with EXTL3-related conditions. ClinVar contains an entry for this variant (Variation ID: 1039204). Invitae Evidence Modeling of protein sequence and biophysical properties (such as structural, functional, and spatial information, amino acid conservation, physicochemical variation, residue mobility, and thermodynamic stability) indicates that this missense variant is not expected to disrupt EXTL3 protein function with a negative predictive value of 80%. In summary, the available evidence is currently insufficient to determine the role of this variant in disease. Therefore, it has been classified as a Variant of Uncertain Significance.